The following is an entry in ClinVar:

NM_015425.6(POLR1A):c.647G>T (p.Arg216Leu)

Gene: POLR1A (RNA polymerase I subunit A; minus strand). Cytogenetic location: 2p11.2.
Variant type: single nucleotide variant.
Coding change: c.647G>T on transcript NM_015425.6 (MANE Select); coding-DNA position 647, G replaced by T.
Protein change: p.Arg216Leu; replaces arginine 216 with leucine.
Molecular consequence: missense variant.
Genome position (GRCh38, 1-based): chr2:86,088,649, C>A on the plus strand (G>T on the coding strand, the complement: POLR1A is on the minus strand). VCF-style: chr2-86088649-C-A. GRCh37 (hg19) VCF-style: chr2-86315772-C-A.
Other names: c.647G>T (NM_015425.3); short protein forms R216L.
Identifiers: ClinVar variation 3621240 (VCV003621240.3).
Genomic context (GRCh38, chr2:86,088,649, plus strand): 5'-CCAGCTGTCCTGTGCACCATGGCTGGAAACGTGATAGTCAACTTGCTGTTGTGTTCCTTT[C>A]GGACAACGGATCGCCCGGTCCTGTGCAGGAGGACAGTTGTGATTGAAGAGAGAAAAAACC-3'
Protein context (NP_056240.2, residues 206-226): PHCKTGRSVV[Arg216Leu]KEHNSKLTIT

ClinVar aggregate classification (germline): Uncertain significance. Review status: criteria provided, multiple submitters, no conflicts (2 of 4 stars). 2 submissions from 2 submitters: Uncertain significance (2). Last evaluated 2025-12-15.

Conditions:
Inborn genetic diseases. Identifiers: MedGen C0950123, MeSH D030342.

gnomAD v4.1: 2 of 1,613,786 alleles (0.00012%); highest among the groups gnomAD compares: African/African-American, 0.0027%; no homozygotes.

Submissions (2):

Labcorp Genetics (formerly Invitae), Labcorp
Classification: Uncertain significance. Last evaluated: 2025-12-15. Review status: criteria provided, single submitter. Criteria: Invitae Variant Classification Sherloc (09022015). Collection method: clinical testing. Allele origin: germline.
Comment: This sequence change replaces arginine, which is basic and polar, with leucine, which is neutral and non-polar, at codon 216 of the POLR1A protein (p.Arg216Leu). This variant is not present in population databases (gnomAD no frequency). This variant has not been reported in the literature in individuals affected with POLR1A-related conditions. ClinVar contains an entry for this variant (Variation ID: 3621240). Invitae Evidence Modeling of protein sequence and biophysical properties (such as structural, functional, and spatial information, amino acid conservation, physicochemical variation, residue mobility, and thermodynamic stability) indicates that this missense variant is expected to disrupt POLR1A protein function with a positive predictive value of 80%. In summary, the available evidence is currently insufficient to determine the role of this variant in disease. Therefore, it has been classified as a Variant of Uncertain Significance.

Ambry Genetics
Classification: Uncertain significance for Inborn genetic diseases. Last evaluated: 2025-04-15. Review status: criteria provided, single submitter. Criteria: Ambry Variant Classification Scheme 2023. Collection method: clinical testing. Allele origin: germline.